The following is an entry in ClinVar:

NM_206933.4(USH2A):c.7489G>A (p.Val2497Met)

Gene: USH2A (usherin; minus strand). Cytogenetic location: 1q41.
Variant type: single nucleotide variant.
Coding change: c.7489G>A on transcript NM_206933.4 (MANE Select); coding-DNA position 7489, G replaced by A.
Protein change: p.Val2497Met; replaces valine 2497 with methionine.
Molecular consequence: missense variant.
Genome position (GRCh38, 1-based): chr1:215,900,180, C>T on the plus strand (G>A on the coding strand, the complement: USH2A is on the minus strand). VCF-style: chr1-215900180-C-T. GRCh37 (hg19) VCF-style: chr1-216073522-C-T.
Other names: short protein forms V2497M.
Identifiers: ClinVar variation 1381724 (VCV001381724.5), dbSNP rs1665452444, ClinGen allele CA344848599.

ClinVar aggregate classification (germline): Uncertain significance (1 of 4 stars; one submission).

Allele frequency attached by ClinVar (database versions not stated): gnomAD exomes below 0.00001; TOPMed below 0.00001; gnomAD 0.00001.
gnomAD v4.1: 3 of 1,613,576 alleles (0.00019%); highest among the groups gnomAD compares: Non-Finnish European, 0.00025%; no homozygotes.

Submission:

Labcorp Genetics (formerly Invitae), Labcorp
Classification: Uncertain significance. Last evaluated: 2021-09-17. Review status: criteria provided, single submitter. Criteria: Invitae Variant Classification Sherloc (09022015). Collection method: clinical testing. Allele origin: germline.
Comment: This sequence change replaces valine with methionine at codon 2497 of the USH2A protein (p.Val2497Met). The valine residue is highly conserved and there is a small physicochemical difference between valine and methionine. This variant is not present in population databases (ExAC no frequency). This variant has not been reported in the literature in individuals with USH2A-related conditions. Algorithms developed to predict the effect of missense changes on protein structure and function are either unavailable or do not agree on the potential impact of this missense change (SIFT: "Deleterious"; PolyPhen-2: "Probably Damaging"; Align-GVGD: "Class C0"). In summary, the available evidence is currently insufficient to determine the role of this variant in disease. Therefore, it has been classified as a Variant of Uncertain Significance.